The following is an entry in ClinVar:

NM_000632.4(ITGAM):c.2888G>C (p.Arg963Thr)

Gene: ITGAM (integrin subunit alpha M; plus strand). Cytogenetic location: 16p11.2.
Variant type: single nucleotide variant.
Coding change: c.2888G>C on transcript NM_000632.4 (MANE Select); coding-DNA position 2888, G replaced by C.
Protein change: p.Arg963Thr; replaces arginine 963 with threonine.
Molecular consequence: missense variant.
Genome position (GRCh38, 1-based): chr16:31,329,817, G>C. VCF-style: chr16-31329817-G-C. GRCh37 (hg19) VCF-style: chr16-31341138-G-C.
Other names: c.2891G>C, p.Arg964Thr (NM_001145808.2); short protein forms R963T, R964T.
Identifiers: ClinVar variation 2858962 (VCV002858962.3), dbSNP rs1414505721, ClinGen allele CA395699246.

ClinVar aggregate classification (germline): Uncertain significance (1 of 4 stars; one submission).

gnomAD v4.1: 6 of 1,557,938 alleles (0.00039%); highest among the groups gnomAD compares: Non-Finnish European, 0.00052%; no homozygotes.

Submission:

Labcorp Genetics (formerly Invitae), Labcorp
Classification: Uncertain significance. Last evaluated: 2023-05-05. Review status: criteria provided, single submitter. Criteria: Invitae Variant Classification Sherloc (09022015). Collection method: clinical testing. Allele origin: germline.
Comment: In summary, the available evidence is currently insufficient to determine the role of this variant in disease. Therefore, it has been classified as a Variant of Uncertain Significance. An algorithm developed to predict the effect of missense changes on protein structure and function (PolyPhen-2) suggests that this variant is likely to be disruptive. This variant has not been reported in the literature in individuals affected with ITGAM-related conditions. The frequency data for this variant in the population databases is considered unreliable, as metrics indicate poor data quality at this position in the gnomAD database. This sequence change replaces arginine, which is basic and polar, with threonine, which is neutral and polar, at codon 963 of the ITGAM protein (p.Arg963Thr).